The following is an entry in ClinVar:

ClinVar aggregate classification (germline): Benign/Likely benign. Review status: criteria provided, multiple submitters, no conflicts (2 of 4 stars). 4 submissions from 4 submitters: Benign (1); Likely benign (2). 1 of the submissions does not count toward it. Last evaluated 2026-01-19.

Conditions:
DCTN1-related disorder. Also called: DCTN1-related condition.
Amyotrophic lateral sclerosis type 1 (ALS1). Also called: AMYOTROPHIC LATERAL SCLEROSIS 1, FAMILIAL. Identifiers: Orphanet 803, MedGen C1862939, MONDO:0007103, OMIM 105400.
Perry syndrome. Also called: PARKINSONISM WITH ALVEOLAR HYPOVENTILATION AND MENTAL DEPRESSION. Identifiers: Orphanet 178509, MedGen C1868594, MONDO:0008201, OMIM 168605.
Neuronopathy, distal hereditary motor, type 7B. Also called: Distal Hereditary Motor Neuronopathy Type 7B (dHMN7B); NEURONOPATHY, DISTAL HEREDITARY MOTOR, AUTOSOMAL DOMINANT 14; NEURONOPATHY, DISTAL HEREDITARY MOTOR, HARDING TYPE VIIB; NEUROPATHY, DISTAL HEREDITARY MOTOR, HARDING TYPE VIIB; NEUROPATHY, DISTAL HEREDITARY MOTOR, WITH VOCAL CORD PARALYSIS, HARDING TYPE VIIB; HMN VIIB. Identifiers: Orphanet 139589, MedGen C1843315, MONDO:0011879, OMIM 607641.

Allele frequency attached by ClinVar (database versions not stated): gnomAD exomes 0.00014 and 0.00053; gnomAD 0.00016 and 0.00023; TOPMed 0.00020; ExAC 0.00046; 1000 Genomes Project 30x 0.00141; 1000 Genomes Project 0.00180.
gnomAD v4.1: 263 of 1,614,192 alleles (0.016%); highest among the groups gnomAD compares: East Asian, 0.39%; 3 homozygotes.

Submissions (4):

Labcorp Genetics (formerly Invitae), Labcorp
Classification: Benign for Amyotrophic lateral sclerosis type 1; Neuronopathy, distal hereditary motor, type 7B; Perry syndrome. Last evaluated: 2026-01-19. Review status: criteria provided, single submitter. Criteria: Invitae Variant Classification Sherloc (09022015). Collection method: clinical testing. Allele origin: germline.

CeGaT Center for Human Genetics Tuebingen
Classification: Likely benign. Last evaluated: 2024-12-01. Review status: criteria provided, single submitter. Criteria: CeGaT Center For Human Genetics Tuebingen Variant Classification Criteria Version 2. Collection method: clinical testing. Allele origin: germline. Affected: yes. Observed: 2 variant alleles.
Comment: DCTN1: BP4, BP7

Blueprint Genetics
Classification: Likely benign. Last evaluated: 2024-10-03. Review status: criteria provided, single submitter. Criteria: ACMG Guidelines, 2015. Collection method: clinical testing. Allele origin: germline.

PreventionGenetics, part of Exact Sciences
Classification: Likely benign for DCTN1-related condition. Last evaluated: 2019-06-28. Review status: no assertion criteria provided. Collection method: clinical testing. Allele origin: germline. Not counted in ClinVar's aggregate classification.
Comment: This variant is classified as likely benign based on ACMG/AMP sequence variant interpretation guidelines (Richards et al. 2015 PMID: 25741868, with internal and published modifications).

NM_004082.5(DCTN1):c.2019C>T (p.Ala673=)

Gene: DCTN1 (dynactin subunit 1; minus strand). Cytogenetic location: 2p13.1.
Variant type: single nucleotide variant.
Coding change: c.2019C>T on transcript NM_004082.5 (MANE Select); coding-DNA position 2019, C replaced by T.
Protein change: p.Ala673=; no amino-acid change (alanine 673 retained).
Molecular consequence: synonymous variant. On other transcripts: non-coding transcript variant (1).
Genome position (GRCh38, 1-based): chr2:74,367,861, G>A on the plus strand (C>T on the coding strand, the complement: DCTN1 is on the minus strand). VCF-style: chr2-74367861-G-A. GRCh37 (hg19) VCF-style: chr2-74594988-G-A.
Other names: c.1959C>T, p.Ala653= (NM_001135040.3); c.1617C>T, p.Ala539= (NM_001135041.3, NM_023019.4); c.1908C>T, p.Ala636= (NM_001190836.2); c.1998C>T, p.Ala666= (NM_001190837.2); c.1968C>T, p.Ala656= (NM_001378991.1); c.1950C>T, p.Ala650= (NM_001378992.1).
Identifiers: ClinVar variation 468261 (VCV000468261.53), dbSNP rs372482596, ClinGen allele CA1721968.